The following is an entry in ClinVar:

ClinVar aggregate classification (germline): Uncertain significance (1 of 4 stars; one submission).

Conditions:
MYH14-related disorder. Also called: MYH14-related condition.

Allele frequency attached by ClinVar (database versions not stated): gnomAD exomes below 0.00001; TOPMed below 0.00001; gnomAD 0.00001.
gnomAD v4.1: 7 of 1,607,790 alleles (0.00044%); highest among the groups gnomAD compares: Admixed American, 0.005%; no homozygotes.

Submission:

PreventionGenetics, part of Exact Sciences
Classification: Uncertain significance for MYH14-related condition. Last evaluated: 2025-05-16. Review status: criteria provided, single submitter. Criteria: ACMG Guidelines, 2015. Collection method: clinical testing. Allele origin: germline.
Comment: The MYH14 c.4355G>A variant is predicted to result in the amino acid substitution p.Arg1452Gln. To our knowledge, this variant has not been reported in the literature. This variant is reported in 0.0088% of alleles in individuals of Latino descent in gnomAD. At this time, the clinical significance of this variant is uncertain due to the absence of conclusive functional and genetic evidence.

NM_001145809.2(MYH14):c.4355G>A (p.Arg1452Gln)

Gene: MYH14 (myosin heavy chain 14; plus strand). Cytogenetic location: 19q13.33.
Variant type: single nucleotide variant.
Coding change: c.4355G>A on transcript NM_001145809.2 (MANE Select); coding-DNA position 4355, G replaced by A.
Protein change: p.Arg1452Gln; replaces arginine 1452 with glutamine.
Molecular consequence: missense variant.
Genome position (GRCh38, 1-based): chr19:50,281,658, G>A. VCF-style: chr19-50281658-G-A. GRCh37 (hg19) VCF-style: chr19-50784915-G-A.
Other names: c.4256G>A, p.Arg1419Gln (NM_001077186.2); c.4232G>A, p.Arg1411Gln (NM_024729.4); short protein forms R1411Q, R1419Q, R1452Q.
Identifiers: ClinVar variation 2636587 (VCV002636587.2), dbSNP rs1486866936, ClinGen allele CA406958062.
Genomic context (GRCh38, chr19:50,281,658, plus strand): 5'-CCGAGTGGCGGCGGCGCCAGGAGGAGGAGGCAGGGGCACTGGAGGCAGGGGAGGAGGCAC[G>A]GCGCCGGGCAGCCCGGGAGGCCGAGGCCCTGACCCAGCGCCTGGCAGAAAAGACAGAGAC-3'
Protein context (NP_001139281.1, residues 1442-1462): AGALEAGEEA[Arg1452Gln]RRAAREAEAL